The following is an entry in ClinVar:

ClinVar aggregate classification (germline): Uncertain significance. Review status: criteria provided, single submitter (1 of 4 stars). 2 submissions from 2 submitters: Uncertain significance (1). 1 of the submissions does not count toward it. Last evaluated 2021-09-01.

Conditions:
Nemaline myopathy 2 (NEM2). Also called: Nemaline myopathy 2, autosomal recessive. Identifiers: MedGen C1850569, MONDO:0009725, OMIM 256030.

Allele frequency attached by ClinVar (database versions not stated): TOPMed below 0.00001.

Submissions (2):

Labcorp Genetics (formerly Invitae), Labcorp
Classification: Uncertain significance for Nemaline myopathy 2. Last evaluated: 2021-09-01. Review status: criteria provided, single submitter. Criteria: Invitae Variant Classification Sherloc (09022015). Collection method: clinical testing. Allele origin: germline.
Comment: This sequence change replaces proline with serine at codon 260 of the NEB protein (p.Pro260Ser). The proline residue is highly conserved and there is a moderate physicochemical difference between proline and serine. This variant is not present in population databases (ExAC no frequency). This variant has not been reported in the literature in individuals affected with NEB-related conditions. Algorithms developed to predict the effect of missense changes on protein structure and function are either unavailable or do not agree on the potential impact of this missense change (SIFT: "Deleterious"; PolyPhen-2: "Not Available"; Align-GVGD: "Class C65"). In summary, the available evidence is currently insufficient to determine the role of this variant in disease. Therefore, it has been classified as a Variant of Uncertain Significance.

Natera, Inc.
Classification: Uncertain significance for Nemaline myopathy type 2. Last evaluated: 2020-08-14. Review status: no assertion criteria provided. Collection method: clinical testing. Allele origin: germline. Not counted in ClinVar's aggregate classification.

NM_001164508.2(NEB):c.778C>T (p.Pro260Ser)

Gene: NEB (nebulin; minus strand). Cytogenetic location: 2q23.3.
Variant type: single nucleotide variant.
Coding change: c.778C>T on transcript NM_001164508.2 (MANE Select); coding-DNA position 778, C replaced by T.
Protein change: p.Pro260Ser; replaces proline 260 with serine.
Molecular consequence: missense variant.
Genome position (GRCh38, 1-based): chr2:151,717,460, G>A on the plus strand (C>T on the coding strand, the complement: NEB is on the minus strand). VCF-style: chr2-151717460-G-A. GRCh37 (hg19) VCF-style: chr2-152573974-G-A.
Other names: c.778C>T, p.Pro260Ser (NM_001164507.2, NM_001271208.2, NM_004543.5); short protein forms P260S.
Identifiers: ClinVar variation 843502 (VCV000843502.9), dbSNP rs1425616065, ClinGen allele CA348788852.